The following is an entry in ClinVar:

ClinVar aggregate classification (germline): Uncertain significance (1 of 4 stars; one submission).

Conditions:
Inborn genetic diseases. Identifiers: MedGen C0950123, MeSH D030342.

Submission:

Ambry Genetics
Classification: Uncertain significance for Inborn genetic diseases. Last evaluated: 2026-05-20. Review status: criteria provided, single submitter. Criteria: Ambry Variant Classification Scheme 2023. Collection method: clinical testing. Allele origin: germline.
Comment: The c.1588G>A (p.A530T) alteration is located in exon 11 (coding exon 11) of the EVC2 gene. This alteration results from a G to A substitution at nucleotide position 1588, causing the alanine (A) at amino acid position 530 to be replaced by a threonine (T). Based on data from gnomAD, the A allele has an overall frequency of <0.001% (1/251482) total alleles studied. The highest observed frequency was 0.003% (1/30616) of South Asian alleles. Based on insufficient or conflicting evidence, the clinical significance of this alteration remains unclear.

NM_147127.5(EVC2):c.1588G>A (p.Ala530Thr)

Gene: EVC2 (EvC ciliary complex subunit 2; minus strand). Cytogenetic location: 4p16.2.
Variant type: single nucleotide variant.
Coding change: c.1588G>A on transcript NM_147127.5 (MANE Select); coding-DNA position 1588, G replaced by A.
Protein change: p.Ala530Thr; replaces alanine 530 with threonine.
Molecular consequence: missense variant.
Genome position (GRCh38, 1-based): chr4:5,631,915, C>T on the plus strand (G>A on the coding strand, the complement: EVC2 is on the minus strand). VCF-style: chr4-5631915-C-T. GRCh37 (hg19) VCF-style: chr4-5633642-C-T.
Other names: c.1348G>A, p.Ala450Thr (NM_001166136.2); short protein forms A450T, A530T.
Identifiers: ClinVar variation 4870692 (VCV004870692.1).